The following is an entry in ClinVar:

ClinVar aggregate classification (germline): Pathogenic (0 of 4 stars; one submission).

Submission:

ISCA site 14
Classification: Pathogenic. Last evaluated: 2011-08-11. Review status: no assertion criteria provided. Collection method: clinical testing. Allele origin: unknown. Affected: yes. Observed: 1 variant allele.
Comment: Copy number variation identified through the course of routine clinical cytogenomic testing in postnatal populations. Clinical assertions have been curated as described in Kaminsky et al. 2011.

Copy number variation identified through the course of routine clinical cytogenomic testing in postnatal populations. Clinical assertions have been curated as described in Kaminsky, et al. 2011 (PubMed 21844811). For additional ClinGen data, please see nstd37.

GRCh38/hg38 3q29(chr3:196013486-197590232)x3

Genes: BDH1 (3-hydroxybutyrate dehydrogenase 1), CEP19 (centrosomal protein 19; minus strand), DLG1 (discs large MAGUK scaffold protein 1; minus strand), DLG1-AS1 (DLG1 antisense RNA 1; plus strand), DYNLT2B (dynein light chain Tctex-type 2B; minus strand) and 104 more. Cytogenetic location: 3q29.
Variant type: copy number gain.
Change: copy number 3 (three copies instead of two) of chr3:196,013,486-197,590,232 (1.58 Mb, GRCh38 coordinates, 1-based), cytogenetic band 3q29.
Identifiers: ClinVar variation 160933 (VCV000160933.2).